The following is an entry in ClinVar:

NM_006348.5(COG5):c.2186C>G (p.Ala729Gly)

Gene: COG5 (component of oligomeric golgi complex 5; minus strand). Cytogenetic location: 7q22.3.
Variant type: single nucleotide variant.
Coding change: c.2186C>G on transcript NM_006348.5 (MANE Select); coding-DNA position 2186, C replaced by G.
Protein change: p.Ala729Gly; replaces alanine 729 with glycine.
Molecular consequence: missense variant. On other transcripts: intron variant (1).
Genome position (GRCh38, 1-based): chr7:107,211,208, G>C on the plus strand (C>G on the coding strand, the complement: COG5 is on the minus strand). VCF-style: chr7-107211208-G-C. GRCh37 (hg19) VCF-style: chr7-106851653-G-C.
Other names: c.2186C>G, p.Ala729Gly (NM_001161520.2); c.2024C>G, p.Ala675Gly (NM_001379511.1); c.2012C>G, p.Ala671Gly (NM_001379512.1); c.1871C>G, p.Ala624Gly (NM_001379514.1); c.1616C>G, p.Ala539Gly (NM_001379515.1); c.1472C>G, p.Ala491Gly (NM_001379516.1); c.2123C>G, p.Ala708Gly (NM_181733.4); c.2169-7578C>G (NM_001379513.1); short protein forms A539G, A671G, A675G, A491G, A624G, A708G, A729G.
Identifiers: ClinVar variation 2081371 (VCV002081371.1), dbSNP rs1195920501, ClinGen allele CA368840003.

ClinVar aggregate classification (germline): Uncertain significance (1 of 4 stars; one submission).

Conditions:
COG5-congenital disorder of glycosylation. Also called: CDG IIi; CONGENITAL DISORDER OF GLYCOSYLATION, TYPE IIi; COG5-CDG. Identifiers: Orphanet 263487, MedGen C3150876, MONDO:0013325, OMIM 613612.

Allele frequency attached by ClinVar (database versions not stated): gnomAD exomes 0.00001.
gnomAD v4.1: 11 of 1,614,014 alleles (0.00068%); highest among the groups gnomAD compares: East Asian, 0.016%; no homozygotes.

Submission:

Labcorp Genetics (formerly Invitae), Labcorp
Classification: Uncertain significance for COG5-congenital disorder of glycosylation. Last evaluated: 2022-03-18. Review status: criteria provided, single submitter. Criteria: Invitae Variant Classification Sherloc (09022015). Collection method: clinical testing. Allele origin: germline.
Comment: This sequence change replaces alanine, which is neutral and non-polar, with glycine, which is neutral and non-polar, at codon 760 of the COG5 protein (p.Ala760Gly). This variant is present in population databases (no rsID available, gnomAD 0.006%). This variant has not been reported in the literature in individuals affected with COG5-related conditions. Algorithms developed to predict the effect of missense changes on protein structure and function are either unavailable or do not agree on the potential impact of this missense change (SIFT: "Deleterious"; PolyPhen-2: "Benign"; Align-GVGD: "Class C0"). In summary, the available evidence is currently insufficient to determine the role of this variant in disease. Therefore, it has been classified as a Variant of Uncertain Significance.